The following is an entry in ClinVar:

ClinVar aggregate classification (germline): Uncertain significance. Review status: criteria provided, multiple submitters, no conflicts (2 of 4 stars). 2 submissions from 2 submitters: Uncertain significance (2). Last evaluated 2025-03-05.

Conditions:
Cardiovascular phenotype. Identifiers: MedGen CN230736.
Hypertrophic cardiomyopathy. Also called: HYPERTROPHIC MYOCARDIOPATHY. Identifiers: Orphanet 217569, MedGen C0007194, MeSH D002312, MONDO:0005045, HP:0001639.

Submissions (2):

Labcorp Genetics (formerly Invitae), Labcorp
Classification: Uncertain significance for Hypertrophic cardiomyopathy. Last evaluated: 2025-03-05. Review status: criteria provided, single submitter. Criteria: Invitae Variant Classification Sherloc (09022015). Collection method: clinical testing. Allele origin: germline.
Comment: This sequence change falls in intron 5 of the MYBPC3 gene. It does not directly change the encoded amino acid sequence of the MYBPC3 protein. RNA analysis indicates that this variant induces altered splicing and likely results in the loss of 16 amino acid residue(s), but is expected to preserve the integrity of the reading-frame. This variant is not present in population databases (gnomAD no frequency). This variant has been observed in individual(s) with hypertrophic cardiomyopathy and/or MYBPC3-related conditions (PMID: 30645170, 37652022). ClinVar contains an entry for this variant (Variation ID: 263572). Variants that disrupt the consensus splice site are a relatively common cause of aberrant splicing (PMID: 17576681, 9536098). Studies have shown that this variant results in the activation of a cryptic splice site in exon 5 (PMID: 30645170). In summary, the available evidence is currently insufficient to determine the role of this variant in disease. Therefore, it has been classified as a Variant of Uncertain Significance.

Ambry Genetics
Classification: Uncertain significance for Cardiovascular phenotype. Last evaluated: 2023-10-17. Review status: criteria provided, single submitter. Criteria: Ambry Variant Classification Scheme 2023. Collection method: clinical testing. Allele origin: germline.
Comment: The c.654+5G>C intronic variant results from a G to C substitution 5 nucleotides after coding exon 5 in the MYBPC3 gene. This alteration has been reported in an individual with hypertrophic cardiomyopathy, and RNA studies showed this alteration may impact protein function (Singer ES et al. Circ Genom Precis Med, 2019 01;12:e002368). This nucleotide position is highly conserved in available vertebrate species. In silico splice site analysis for this alteration is inconclusive. Since supporting evidence is limited at this time, the clinical significance of this alteration remains unclear.

Literature cited by the submitters: PubMed 30645170 (cited by Labcorp Genetics (formerly Invitae), Labcorp and Ambry Genetics); PubMed 37652022 (cited by Labcorp Genetics (formerly Invitae), Labcorp); PubMed 17576681 (cited by Labcorp Genetics (formerly Invitae), Labcorp); PubMed 9536098 (cited by Labcorp Genetics (formerly Invitae), Labcorp).

NC_000011.10:g.47349769C>G

Gene: MYBPC3 (myosin binding protein C3; minus strand). Cytogenetic location: 11p11.2.
Variant type: single nucleotide variant.
Genome position: GRCh38 VCF-style: chr11-47349769-C-G. GRCh37 (hg19) VCF-style: chr11-47371320-C-G.
Other names: c.654+5G>C (LRG_386t1, NM_000256.3).
Identifiers: ClinVar variation 263572 (VCV000263572.11), dbSNP rs397516066, ClinGen allele CA10587731.